The following is an entry in ClinVar:

NM_006019.4(TCIRG1):c.566C>A (p.Ala189Asp)

Gene: TCIRG1 (T cell immune regulator 1, ATPase H+ transporting V0 subunit a3; plus strand). Cytogenetic location: 11q13.2.
Variant type: single nucleotide variant.
Coding change: c.566C>A on transcript NM_006019.4 (MANE Select); coding-DNA position 566, C replaced by A.
Protein change: p.Ala189Asp; replaces alanine 189 with aspartic acid.
Molecular consequence: missense variant. On other transcripts: 5 prime UTR variant (2).
Genome position (GRCh38, 1-based): chr11:68,043,433, C>A. VCF-style: chr11-68043433-C-A. GRCh37 (hg19) VCF-style: chr11-67810900-C-A.
Other names: c.-345C>A (NM_001351059.2); c.-83C>A (NM_006053.4); short protein forms A189D.
Identifiers: ClinVar variation 1442820 (VCV001442820.4), dbSNP rs988284407, ClinGen allele CA224203832.
Genomic context (GRCh38, chr11:68,043,433, plus strand): 5'-TTGTGGCAGGTGCCGTGGAGCCCCACAAGGCCCCTGCCCTAGAGCGCCTGCTCTGGAGGG[C>A]CTGCCGCGGCTTCCTCATTGCCAGCTTCAGGGAGCTGGAGCAGCCGCTGGAGCACCCCGT-3'
Protein context (NP_006010.2, residues 179-199): APALERLLWR[Ala189Asp]CRGFLIASFR

ClinVar aggregate classification (germline): Uncertain significance (1 of 4 stars; one submission).

Allele frequency attached by ClinVar (database versions not stated): gnomAD exomes 0.00003 and 0.00002; gnomAD 0.00009; TOPMed 0.00002.
gnomAD v4.1: 38 of 1,546,550 alleles (0.0025%); highest among the groups gnomAD compares: Admixed American, 0.0059%; no homozygotes.

Submission:

Labcorp Genetics (formerly Invitae), Labcorp
Classification: Uncertain significance. Last evaluated: 2024-11-02. Review status: criteria provided, single submitter. Criteria: Invitae Variant Classification Sherloc (09022015). Collection method: clinical testing. Allele origin: germline.
Comment: This sequence change replaces alanine, which is neutral and non-polar, with aspartic acid, which is acidic and polar, at codon 189 of the TCIRG1 protein (p.Ala189Asp). This variant is present in population databases (no rsID available, gnomAD 0.02%). This variant has not been reported in the literature in individuals affected with TCIRG1-related conditions. ClinVar contains an entry for this variant (Variation ID: 1442820). Invitae Evidence Modeling of protein sequence and biophysical properties (such as structural, functional, and spatial information, amino acid conservation, physicochemical variation, residue mobility, and thermodynamic stability) indicates that this missense variant is expected to disrupt TCIRG1 protein function with a positive predictive value of 80%. In summary, the available evidence is currently insufficient to determine the role of this variant in disease. Therefore, it has been classified as a Variant of Uncertain Significance.